The following is an entry in ClinVar:

NM_000179.3(MSH6):c.81C>T (p.Ala27=)

Gene: MSH6 (mutS homolog 6; plus strand). Cytogenetic location: 2p16.3.
Variant type: single nucleotide variant.
Coding change: c.81C>T on transcript NM_000179.3 (MANE Select); coding-DNA position 81, C replaced by T.
Protein change: p.Ala27=; no amino-acid change (alanine 27 retained).
Molecular consequence: synonymous variant. On other transcripts: 5 prime UTR variant (7), missense variant (1), non-coding transcript variant (5), intron variant (5).
Genome position (GRCh38, 1-based): chr2:47,783,314, C>T. VCF-style: chr2-47783314-C-T. GRCh37 (hg19) VCF-style: chr2-48010453-C-T.
Other names: c.81C>T, p.Ala27= (NM_001281492.2, NM_001406795.1, NM_001406796.1 and 9 more transcripts); c.-656C>T (NM_001281493.2, NM_001406811.1); c.-248C>T (NM_001406799.1); c.26C>T, p.Pro9Leu (NM_001406804.1); c.-848C>T (NM_001406807.1); c.-503C>T (NM_001406812.1); c.-914C>T (NM_001406814.1); c.-459C>T (NM_001406816.1); and 3 more; short protein forms P9L.
Identifiers: ClinVar variation 2561249 (VCV002561249.3), dbSNP rs781496151, ClinGen allele CA426120543.

ClinVar aggregate classification (germline): Benign/Likely benign. Review status: criteria provided, multiple submitters, no conflicts (2 of 4 stars). 2 submissions from 2 submitters: Benign (1); Likely benign (1). Last evaluated 2024-12-17.

Conditions:
Hereditary cancer-predisposing syndrome. Also called: Neoplastic Syndromes, Hereditary; Hereditary Cancer Syndrome; Hereditary neoplastic syndrome; Tumor predisposition. Identifiers: Orphanet 140162, MedGen C0027672, MeSH D009386, MONDO:0015356.
Lynch syndrome 5 (LYNCH5). Also called: Colorectal cancer, hereditary nonpolyposis, type 5; Hereditary non-polyposis colorectal cancer, type 5. Identifiers: Orphanet 144, MedGen C1833477, MONDO:0013710, OMIM 614350. Disease mechanism: loss of function.

Submissions (2):

Myriad Genetics, Inc.
Classification: Benign for Lynch syndrome 5. Last evaluated: 2024-12-17. Review status: criteria provided, single submitter. Criteria: Myriad Autosomal Dominant, Autosomal Recessive and X-Linked Classification Criteria (2023). Collection method: clinical testing. Allele origin: unknown.
Comment: This variant is considered benign. This variant is a silent/synonymous amino acid change and it is not expected to impact splicing.

Ambry Genetics
Classification: Likely benign for Hereditary cancer-predisposing syndrome. Last evaluated: 2023-05-04. Review status: criteria provided, single submitter. Criteria: Ambry Variant Classification Scheme 2023. Collection method: clinical testing. Allele origin: germline.